The following is an entry in ClinVar:

ClinVar aggregate classification (germline): Likely benign (1 of 4 stars; one submission).

Submission:

GeneDx
Classification: Likely benign. Last evaluated: 2015-11-02. Review status: criteria provided, single submitter. Criteria: GeneDx Variant Classification (06012015). Collection method: clinical testing. Allele origin: germline. Affected: yes.
Comment: This variant is considered likely benign or benign based on one or more of the following criteria: it is a conservative change, it occurs at a poorly conserved position in the protein, it is predicted to be benign by multiple in silico algorithms, and/or has population frequency not consistent with disease.

NM_000026.4(ADSL):c.483-15T>C

Gene: ADSL (adenylosuccinate lyase; plus strand). Cytogenetic location: 22q13.1.
Variant type: single nucleotide variant.
Coding change: c.483-15T>C on transcript NM_000026.4 (MANE Select); 15 bases into the intron before coding-DNA position 483, T replaced by C.
Molecular consequence: intron variant.
Genome position (GRCh38, 1-based): chr22:40,358,849, T>C. VCF-style: chr22-40358849-T-C. GRCh37 (hg19) VCF-style: chr22-40754853-T-C.
Other names: c.483-15T>C (NM_001363840.3, NM_001123378.3); c.291-15T>C (NM_001317923.2).
Identifiers: ClinVar variation 381253 (VCV000381253.1), dbSNP rs1057520995, ClinGen allele CA16608183.